The following is an entry in ClinVar:

NM_000088.4(COL1A1):c.-23G>A

Gene: COL1A1 (collagen type I alpha 1 chain; minus strand). Cytogenetic location: 17q21.33.
Variant type: single nucleotide variant.
Coding change: c.-23G>A on transcript NM_000088.4 (MANE Select); 23 bases upstream of the start codon, G replaced by A.
Molecular consequence: 5 prime UTR variant.
Genome position (GRCh38, 1-based): chr17:50,201,536, C>T on the plus strand (G>A on the coding strand, the complement: COL1A1 is on the minus strand). VCF-style: chr17-50201536-C-T. GRCh37 (hg19) VCF-style: chr17-48278897-C-T.
Identifiers: ClinVar variation 324126 (VCV000324126.5), dbSNP rs200689194, ClinGen allele CA8645899.

ClinVar aggregate classification (germline): Conflicting classifications of pathogenicity. Review status: criteria provided, conflicting classifications (1 of 4 stars). 3 submissions from 1 submitter: Uncertain significance (1); Benign (1); Likely benign (1). Last evaluated 2018-01-13.

Conditions:
Infantile cortical hyperostosis. Also called: P1PK BLOOD GROUP SYSTEM, P(2) PHENOTYPE; Hyperostosis, Cortical, Congenital; Caffey Disease. Identifiers: Orphanet 1310, MedGen C0020497, MONDO:0007244, OMIM 114000.
Osteogenesis imperfecta (OI). Identifiers: Orphanet 666, MedGen C0029434, MeSH D010013, MONDO:0019019.
Ehlers-Danlos syndrome, arthrochalasia type. Also called: ARTHROCHALASIS MULTIPLEX CONGENITA; EDS VII, MUTANT PROCOLLAGEN TYPE; EDS VIIA; Ehlers-Danlos syndrome, arthrochalasia type, 1; Ehlers-Danlos syndrome, arthrochalasis type. Identifiers: Orphanet 1899, Orphanet 99875, Orphanet 99876, MedGen C4551623, MONDO:0007525, OMIM 130060.

Allele frequency attached by ClinVar (database versions not stated): gnomAD 0.00001 and 0.00005; TOPMed 0.00002; ExAC 0.00003; gnomAD exomes 0.00003 and 0.00017; 1000 Genomes Project 30x 0.00031; 1000 Genomes Project 0.00040.

Submissions (3):

Illumina Laboratory Services, Illumina
Classification: Benign for Ehlers-Danlos syndrome, arthrochalasia type. Last evaluated: 2018-01-13. Review status: criteria provided, single submitter. Criteria: ICSL Variant Classification Criteria 13 December 2019. Collection method: clinical testing. Allele origin: germline.
Comment: This variant was observed in the ICSL laboratory as part of a predisposition screen in an ostensibly healthy population. It had not been previously curated by ICSL or reported in the Human Gene Mutation Database (HGMD: prior to June 1st, 2018), and was therefore a candidate for classification through an automated scoring system. Utilizing variant allele frequency, disease prevalence and penetrance estimates, and inheritance mode, an automated score was calculated to assess if this variant is too frequent to cause the disease. Based on the score and internal cut-off values, a variant classified as benign is not then subjected to further curation. The score for this variant resulted in a classification of benign for this disease.

Illumina Laboratory Services, Illumina
Classification: Likely benign for Osteogenesis imperfecta. Last evaluated: 2018-01-13. Review status: criteria provided, single submitter. Criteria: ICSL Variant Classification Criteria 13 December 2019. Collection method: clinical testing. Allele origin: germline.
Comment: This variant was observed in the ICSL laboratory as part of a predisposition screen in an ostensibly healthy population. It had not been previously curated by ICSL or reported in the Human Gene Mutation Database (HGMD: prior to June 1st, 2018), and was therefore a candidate for classification through an automated scoring system. Utilizing variant allele frequency, disease prevalence and penetrance estimates, and inheritance mode, an automated score was calculated to assess if this variant is too frequent to cause the disease. Based on the score and internal cut-off values, a variant classified as likely benign is not then subjected to further curation. The score for this variant resulted in a classification of likely benign for this disease.

Illumina Laboratory Services, Illumina
Classification: Uncertain significance for Infantile cortical hyperostosis. Last evaluated: 2018-01-13. Review status: criteria provided, single submitter. Criteria: ICSL Variant Classification Criteria 13 December 2019. Collection method: clinical testing. Allele origin: germline.